The following is an entry in ClinVar:

NM_014319.5(LEMD3):c.1677G>T (p.Glu559Asp)

Gene: LEMD3 (LEM domain containing 3; plus strand). Cytogenetic location: 12q14.3.
Variant type: single nucleotide variant.
Coding change: c.1677G>T on transcript NM_014319.5 (MANE Select); coding-DNA position 1677, G replaced by T.
Protein change: p.Glu559Asp; replaces glutamic acid 559 with aspartic acid.
Molecular consequence: missense variant.
Genome position (GRCh38, 1-based): chr12:65,218,601, G>T. VCF-style: chr12-65218601-G-T. GRCh37 (hg19) VCF-style: chr12-65612381-G-T.
Other names: c.1674G>T, p.Glu558Asp (NM_001167614.2); short protein forms E558D, E559D.
Identifiers: ClinVar variation 3689985 (VCV003689985.2).

ClinVar aggregate classification (germline): Uncertain significance (1 of 4 stars; one submission).

gnomAD v4.1: 1 of 1,603,162 alleles (0.000062%); highest among the groups gnomAD compares: East Asian, 0.0022%; no homozygotes.

Submission:

Labcorp Genetics (formerly Invitae), Labcorp
Classification: Uncertain significance. Last evaluated: 2024-02-18. Review status: criteria provided, single submitter. Criteria: Invitae Variant Classification Sherloc (09022015). Collection method: clinical testing. Allele origin: germline.
Comment: This sequence change replaces glutamic acid, which is acidic and polar, with aspartic acid, which is acidic and polar, at codon 559 of the LEMD3 protein (p.Glu559Asp). This variant is present in population databases (rs758808182, gnomAD 0.01%). This variant has not been reported in the literature in individuals affected with LEMD3-related conditions. Advanced modeling of protein sequence and biophysical properties (such as structural, functional, and spatial information, amino acid conservation, physicochemical variation, residue mobility, and thermodynamic stability) performed at Invitae indicates that this missense variant is not expected to disrupt LEMD3 protein function with a negative predictive value of 80%. In summary, the available evidence is currently insufficient to determine the role of this variant in disease. Therefore, it has been classified as a Variant of Uncertain Significance.